The following is an entry in ClinVar:

ClinVar aggregate classification (germline): Conflicting classifications of pathogenicity. Review status: criteria provided, conflicting classifications (1 of 4 stars). 5 submissions from 5 submitters: Uncertain significance (1); Likely benign (3). 1 of the submissions does not count toward it. Last evaluated 2026-04-17.

Conditions:
CYBB-related disorder. Also called: CYBB-related condition.
Granulomatous disease, chronic, X-linked. Also called: GRANULOMATOUS DISEASE, CHRONIC, X-LINKED, SOMATIC MOSAIC; CYTOCHROME b-NEGATIVE GRANULOMATOUS DISEASE, CHRONIC, X-LINKED. Identifiers: Orphanet 379, MedGen C1844376, MONDO:0010600, OMIM 306400.
X-linked Mendelian susceptibility to mycobacterial diseases due to CYBB deficiency. Also called: IMMUNODEFICIENCY 34; IMMUNODEFICIENCY 34, MYCOBACTERIOSIS, X-LINKED. Identifiers: Orphanet 319605, MedGen C1970859, MONDO:0010389, OMIM 300645.
Chronic granulomatous disease. Identifiers: Orphanet 379, MedGen C0018203, MONDO:0018305.

Allele frequency attached by ClinVar (database versions not stated): gnomAD exomes 0.00001 and 0.00004; ExAC 0.00007; TOPMed 0.00011; gnomAD 0.00012; 1000 Genomes Project 30x 0.00021; 1000 Genomes Project 0.00026; ESP Exome Variant Server 0.00028.
gnomAD v4.1: 25 of 1,209,102 alleles (0.0021%); highest among the groups gnomAD compares: African/African-American, 0.044%; no homozygotes.

Submissions (5):

PreventionGenetics, part of Exact Sciences
Classification: Likely benign for CYBB-related condition. Last evaluated: 2026-04-17. Review status: criteria provided, single submitter. Criteria: ACMG Guidelines, 2015. Collection method: clinical testing. Allele origin: germline.
Comment: This variant is classified as likely benign based on ACMG/AMP sequence variant interpretation guidelines (Richards et al. 2015 PMID: 25741868, with internal and published modifications).

Labcorp Genetics (formerly Invitae), Labcorp
Classification: Likely benign for Granulomatous disease, chronic, X-linked. Last evaluated: 2026-01-04. Review status: criteria provided, single submitter. Criteria: Invitae Variant Classification Sherloc (09022015). Collection method: clinical testing. Allele origin: germline.

Blueprint Genetics
Classification: Likely benign. Last evaluated: 2024-11-27. Review status: criteria provided, single submitter. Criteria: ACMG Guidelines, 2015. Collection method: clinical testing. Allele origin: germline.

Center for Genomics, Ann and Robert H. Lurie Children's Hospital of Chicago
Classification: Uncertain significance for X-linked Mendelian susceptibility to mycobacterial diseases due to CYBB deficiency; Granulomatous disease, chronic, X-linked. Review status: criteria provided, single submitter. Criteria: ACMG Guidelines, 2015. Collection method: clinical testing. Allele origin: germline.
Comment: CYBB NM_000397.3 exon 9 p.Gln323= (c.969A>G): This variant has not been reported in the literature but is present in 9/18111 African alleles, including 1 hemizygote, in the Genome Aggregation Database. Evolutionary conservation and computational predictive tools for this variant are limited or unavailable. Of note, this variant is a silent variant and does not change the amino acid, reducing the probability that this variant is disease causing. In summary, data on this variant is insufficient for disease classification. Therefore, the clinical significance of this variant is uncertain

Natera, Inc.
Classification: Likely benign for Chronic granulomatous disease. Last evaluated: 2020-12-14. Review status: no assertion criteria provided. Collection method: clinical testing. Allele origin: germline. Not counted in ClinVar's aggregate classification.

NM_000397.4(CYBB):c.969A>G (p.Gln323=)

Gene: CYBB (cytochrome b-245 beta chain; plus strand). Cytogenetic location: Xp11.4.
Variant type: single nucleotide variant.
Coding change: c.969A>G on transcript NM_000397.4 (MANE Select); coding-DNA position 969, A replaced by G.
Protein change: p.Gln323=; no amino-acid change (glutamine 323 retained).
Molecular consequence: synonymous variant.
Genome position (GRCh38, 1-based): chrX:37,803,948, A>G. VCF-style: chrX-37803948-A-G. GRCh37 (hg19) VCF-style: chrX-37663201-A-G.
Identifiers: ClinVar variation 625929 (VCV000625929.17), dbSNP rs144764222, ClinGen allele CA10383818.
Genomic context (GRCh38, chrX:37,803,948, plus strand): 5'-CCCTTTCAAAACCATCGAGCTACAGATGAAGAAGAAGGGGTTCAAAATGGAAGTGGGACA[A>G]TACATTTTTGTCAAGTGCCCAAAGGTGTCCAAGCTGGAGTGGCACCCTTTTACACTGACA-3'
Protein context (NP_000388.2, residues 313-333): KKKGFKMEVG[Gln323=]YIFVKCPKVS